The following is an entry in ClinVar:

ClinVar aggregate classification (germline): Uncertain significance (1 of 4 stars; one submission).

Allele frequency attached by ClinVar (database versions not stated): TOPMed 0.00012; gnomAD exomes 0.00013; gnomAD 0.00014; ExAC 0.00016; ESP Exome Variant Server 0.00031.
gnomAD v4.1: 405 of 1,612,796 alleles (0.025%); highest among the groups gnomAD compares: Non-Finnish European, 0.033%; no homozygotes.

Submission:

Labcorp Genetics (formerly Invitae), Labcorp
Classification: Uncertain significance. Last evaluated: 2026-01-08. Review status: criteria provided, single submitter. Criteria: Invitae Variant Classification Sherloc (09022015). Collection method: clinical testing. Allele origin: germline.
Comment: This sequence change replaces glutamine, which is neutral and polar, with arginine, which is basic and polar, at codon 378 of the IL6ST protein (p.Gln378Arg). This variant is present in population databases (rs149924543, gnomAD 0.03%). This variant has not been reported in the literature in individuals affected with IL6ST-related conditions. ClinVar contains an entry for this variant (Variation ID: 1416519). An algorithm developed to predict the effect of missense changes on protein structure and function outputs the following: PolyPhen-2: "Benign". The arginine amino acid residue is found in multiple mammalian species, which suggests that this missense change does not adversely affect protein function. In summary, the available evidence is currently insufficient to determine the role of this variant in disease. Therefore, it has been classified as a Variant of Uncertain Significance.

NM_002184.4(IL6ST):c.1133A>G (p.Gln378Arg)

Gene: IL6ST (interleukin 6 cytokine family signal transducer; minus strand). Cytogenetic location: 5q11.2.
Variant type: single nucleotide variant.
Coding change: c.1133A>G on transcript NM_002184.4 (MANE Select); coding-DNA position 1133, A replaced by G.
Protein change: p.Gln378Arg; replaces glutamine 378 with arginine.
Molecular consequence: missense variant. On other transcripts: 3 prime UTR variant (1), non-coding transcript variant (2).
Genome position (GRCh38, 1-based): chr5:55,956,159, T>C on the plus strand (A>G on the coding strand, the complement: IL6ST is on the minus strand). VCF-style: chr5-55956159-T-C. GRCh37 (hg19) VCF-style: chr5-55251987-T-C.
Other names: c.1133A>G, p.Gln378Arg (NM_001190981.2, NM_001364275.2); c.923A>G, p.Gln308Arg (NM_001364276.2); c.266A>G, p.Gln89Arg (NM_001364277.2); c.230A>G, p.Gln77Arg (NM_001364278.2); c.137A>G, p.Gln46Arg (NM_001364279.2); c.*60A>G (NM_175767.3); short protein forms Q46R, Q89R, Q308R, Q378R, Q77R.
Identifiers: ClinVar variation 1416519 (VCV001416519.8), dbSNP rs149924543, ClinGen allele CA3271490.